The following is an entry in ClinVar:

NM_001048174.2(MUTYH):c.301G>A (p.Ala101Thr)

Gene: MUTYH (mutY DNA glycosylase; minus strand). Cytogenetic location: 1p34.1.
Variant type: single nucleotide variant.
Coding change: c.301G>A on transcript NM_001048174.2 (MANE Select); coding-DNA position 301, G replaced by A.
Protein change: p.Ala101Thr; replaces alanine 101 with threonine.
Molecular consequence: missense variant. On other transcripts: non-coding transcript variant (2).
Genome position (GRCh38, 1-based): chr1:45,333,288, C>T on the plus strand (G>A on the coding strand, the complement: MUTYH is on the minus strand). VCF-style: chr1-45333288-C-T. GRCh37 (hg19) VCF-style: chr1-45798960-C-T.
Other names: c.301G>A, p.Ala101Thr (NM_001048171.2, NM_001048173.2, NM_001293195.2); c.304G>A, p.Ala102Thr (NM_001048172.2); c.385G>A, p.Ala129Thr (NM_001128425.2); c.346G>A, p.Ala116Thr (NM_001293190.2); c.334G>A, p.Ala112Thr (NM_001293191.2); c.25G>A, p.Ala9Thr (NM_001293192.2, NM_001293196.2); c.30G>A, p.Met10Ile (NM_001350650.2, NM_001350651.2); c.376G>A, p.Ala126Thr (NM_012222.3); short protein forms A129T, A112T, M10I, A101T, A102T, A116T, A126T, A9T.
Identifiers: ClinVar variation 464718 (VCV000464718.19), dbSNP rs1553129798, ClinGen allele CA340136236.
Genomic context (GRCh38, chr1:45,333,288, plus strand): 5'-CCCCCAGACCCAAGGGCCTCGAGGCAAAGTGGCCCTGCTCTCAGGAGATGTACTGACCAG[C>T]ATATGCCCGCCTGTCCAGGTCCATCTCATCTTCTGCCTGTCAATGCAACCCCAGATGAGG-3'
Protein context (NP_001041639.1, residues 91-111): DEMDLDRRAY[Ala101Thr]VWVSEVMLQQ

ClinVar aggregate classification (germline): Conflicting classifications of pathogenicity. Review status: criteria provided, conflicting classifications (1 of 4 stars). 3 submissions from 3 submitters: Uncertain significance (2); Likely benign (1). Last evaluated 2025-09-09.

Conditions:
Hereditary cancer-predisposing syndrome. Also called: Neoplastic Syndromes, Hereditary; Tumor predisposition; Hereditary neoplastic syndrome; Hereditary Cancer Syndrome. Identifiers: Orphanet 140162, MedGen C0027672, MeSH D009386, MONDO:0015356.
Familial adenomatous polyposis 2. Also called: COLORECTAL ADENOMATOUS POLYPOSIS, AUTOSOMAL RECESSIVE; ADENOMAS, MULTIPLE COLORECTAL, AUTOSOMAL RECESSIVE; MUTYH-associated polyposis; FAP type 2; MUTYH-related attenuated familial adenomatous polyposis; Adenomas, multiple colorectal. Identifiers: Orphanet 220460, Orphanet 247798, MedGen C3272841, MONDO:0012041, OMIM 608456.

Allele frequency attached by ClinVar (database versions not stated): gnomAD exomes below 0.00001.
gnomAD v4.1: 1 of 1,614,236 alleles (0.000062%); highest among the groups gnomAD compares: Non-Finnish European, 0.000085%; no homozygotes.

Submissions (3):

Ambry Genetics
Classification: Likely benign for Hereditary cancer-predisposing syndrome. Last evaluated: 2025-09-09. Review status: criteria provided, single submitter. Criteria: Ambry Variant Classification Scheme 2023. Collection method: clinical testing. Allele origin: germline.

Color Diagnostics, LLC DBA Color Health
Classification: Uncertain significance for Hereditary cancer-predisposing syndrome. Last evaluated: 2024-03-06. Review status: criteria provided, single submitter. Criteria: ACMG Guidelines, 2015. Collection method: clinical testing. Allele origin: germline.
Comment: This missense variant replaces alanine with threonine at codon 129 of the MUTYH protein. Computational prediction suggests that this variant may not impact protein structure and function (internally defined REVEL score threshold <= 0.5, PMID: 27666373). To our knowledge, functional studies have not been reported for this variant. This variant has not been reported in individuals affected with hereditary cancer in the literature. This variant has not been identified in the general population by the Genome Aggregation Database (gnomAD). The available evidence is insufficient to determine the role of this variant in disease conclusively. Therefore, this variant is classified as a Variant of Uncertain Significance.

Labcorp Genetics (formerly Invitae), Labcorp
Classification: Uncertain significance for Familial adenomatous polyposis 2. Last evaluated: 2023-04-07. Review status: criteria provided, single submitter. Criteria: Invitae Variant Classification Sherloc (09022015). Collection method: clinical testing. Allele origin: germline.
Comment: This variant has not been reported in the literature in individuals affected with MUTYH-related conditions. In summary, the available evidence is currently insufficient to determine the role of this variant in disease. Therefore, it has been classified as a Variant of Uncertain Significance. An algorithm developed to predict the effect of missense changes on protein structure and function (PolyPhen-2) suggests that this variant is likely to be disruptive. ClinVar contains an entry for this variant (Variation ID: 464718). This variant is not present in population databases (gnomAD no frequency). This sequence change replaces alanine, which is neutral and non-polar, with threonine, which is neutral and polar, at codon 129 of the MUTYH protein (p.Ala129Thr).

Literature cited by the submitters: PubMed 40738107 (cited by Ambry Genetics).